The following is an entry in ClinVar:

NM_021930.6(RINT1):c.1930del (p.Leu644fs)

Genes: EFCAB10 (EF-hand calcium binding domain 10; minus strand), RINT1 (RAD50 interactor 1; plus strand). Cytogenetic location: 7q22.3.
Variant type: Deletion.
Coding change: c.1930del on transcript NM_021930.6 (MANE Select); coding-DNA position 1930, one base deleted (C; older notation c.1930delC).
Protein change: p.Leu644fs; shifts the reading frame from leucine 644.
Molecular consequence: frameshift variant. On other transcripts: 3 prime UTR variant (3), non-coding transcript variant (1).
Genome position (GRCh38, 1-based): chr7:105,565,320, C deleted; the last of 3 consecutive C bases (chr7:105,565,318-105,565,320); deleting any one gives the same sequence. VCF-style (leftmost placement, unchanged base first): chr7-105565317-TC-T. GRCh37 (hg19) VCF-style: chr7-105205764-TC-T.
Other names: c.*129del (NM_001355526.2); c.*231del (NM_001355530.2); c.*84del (NM_001355531.2); c.1696del, p.Leu566fs (NM_001346599.2); c.907del, p.Leu303fs (NM_001346600.2, NM_001346603.2); c.1006del, p.Leu336fs (NM_001346601.2); short protein forms L303fs, L336fs, L566fs, L644fs.
Identifiers: ClinVar variation 2496978 (VCV002496978.2), dbSNP rs1791661066, ClinGen allele CA1105478567.

ClinVar aggregate classification (germline): Uncertain significance (1 of 4 stars; one submission).

Submission:

Ambry Genetics
Classification: Uncertain significance. Last evaluated: 2023-01-20. Review status: criteria provided, single submitter. Criteria: Ambry Variant Classification Scheme 2023. Collection method: clinical testing. Allele origin: germline.
Comment: The c.1930delC variant, located in coding exon 13 of the RINT1 gene, results from a deletion of one nucleotide at nucleotide position 1930, causing a translational frameshift with a predicted alternate stop codon (p.L644Cfs*10). This alteration is expected to result in loss of function by premature protein truncation or nonsense-mediated mRNA decay. The evidence for this gene-disease relationship is limited; therefore, the clinical significance of this alteration is unclear.